The following is an entry in ClinVar:

NM_013336.4(SEC61A1):c.487C>G (p.Leu163Val)

Gene: SEC61A1 (SEC61 translocon subunit alpha 1; plus strand). Cytogenetic location: 3q21.3.
Variant type: single nucleotide variant.
Coding change: c.487C>G on transcript NM_013336.4 (MANE Select); coding-DNA position 487, C replaced by G.
Protein change: p.Leu163Val; replaces leucine 163 with valine.
Molecular consequence: missense variant.
Genome position (GRCh38, 1-based): chr3:128,060,532, C>G. VCF-style: chr3-128060532-C-G. GRCh37 (hg19) VCF-style: chr3-127779375-C-G.
Other names: c.505C>G, p.Leu169Val (NM_001400328.1); c.328C>G, p.Leu110Val (NM_001400329.1); short protein forms L110V, L163V, L169V.
Identifiers: ClinVar variation 4741320 (VCV004741320.1).

ClinVar aggregate classification (germline): Uncertain significance (1 of 4 stars; one submission).

Submission:

Labcorp Genetics (formerly Invitae), Labcorp
Classification: Uncertain significance. Last evaluated: 2025-11-18. Review status: criteria provided, single submitter. Criteria: Invitae Variant Classification Sherloc (09022015). Collection method: clinical testing. Allele origin: germline.
Comment: This sequence change replaces leucine, which is neutral and non-polar, with valine, which is neutral and non-polar, at codon 163 of the SEC61A1 protein (p.Leu163Val). This variant is not present in population databases (gnomAD no frequency). This variant has not been reported in the literature in individuals affected with SEC61A1-related conditions. Invitae Evidence Modeling of protein sequence and biophysical properties (such as structural, functional, and spatial information, amino acid conservation, physicochemical variation, residue mobility, and thermodynamic stability) indicates that this missense variant is not expected to disrupt SEC61A1 protein function with a negative predictive value of 80%. In summary, the available evidence is currently insufficient to determine the role of this variant in disease. Therefore, it has been classified as a Variant of Uncertain Significance.